The following is an entry in ClinVar:

NM_000059.4(BRCA2):c.305A>G (p.Lys102Arg)

Gene: BRCA2 (BRCA2 DNA repair associated; plus strand). Cytogenetic location: 13q13.1.
Variant type: single nucleotide variant.
Coding change: c.305A>G on transcript NM_000059.4 (MANE Select); coding-DNA position 305, A replaced by G.
Protein change: p.Lys102Arg; replaces lysine 102 with arginine.
Molecular consequence: missense variant.
Genome position (GRCh38, 1-based): chr13:32,319,314, A>G. VCF-style: chr13-32319314-A-G. GRCh37 (hg19) VCF-style: chr13-32893451-A-G.
Other names: short protein forms K102R.
Identifiers: ClinVar variation 51390 (VCV000051390.32), dbSNP rs80358549, ClinGen allele CA017117.

ClinVar aggregate classification (germline): Conflicting classifications of pathogenicity. Review status: criteria provided, conflicting classifications (1 of 4 stars). 7 submissions from 7 submitters: Uncertain significance (3); Likely benign (2). 2 of the submissions do not count toward it. Last evaluated 2025-08-17.

Conditions:
Hereditary cancer-predisposing syndrome. Also called: Hereditary Cancer Syndrome; Tumor predisposition; Neoplastic Syndromes, Hereditary; Hereditary neoplastic syndrome. Identifiers: Orphanet 140162, MedGen C0027672, MeSH D009386, MONDO:0015356.
Hereditary breast ovarian cancer syndrome. Also called: Breast and ovarian cancer; BRCA1- and BRCA2-Associated Hereditary Breast and Ovarian Cancer; Hereditary breast and ovarian cancer; Hereditary breast and ovarian cancer syndrome (HBOC); Hereditary breast and ovarian cancer syndrome; Hereditary breast and/or ovarian cancer syndrome. Identifiers: Orphanet 145, MedGen C0677776, MeSH D061325, MONDO:0003582. Disease mechanism: loss of function.
Breast-ovarian cancer, familial, susceptibility to, 2 (BROVCA2). Also called: BRCA2 Hereditary Breast and Ovarian Cancer. Identifiers: Orphanet 145, MedGen C2675520, MONDO:0012933, OMIM 612555. Disease mechanism: loss of function.
Familial cancer of breast. Also called: BREAST CANCER, FAMILIAL; hereditary breast carcinoma; Hereditary breast cancer. Identifiers: Orphanet 227535, MedGen C0346153, MONDO:0016419, OMIM 114480. Disease mechanism: loss of function.

Submissions (7):

Labcorp Genetics (formerly Invitae), Labcorp
Classification: Uncertain significance for Hereditary breast ovarian cancer syndrome. Last evaluated: 2025-08-17. Review status: criteria provided, single submitter. Criteria: Invitae Variant Classification Sherloc (09022015). Collection method: clinical testing. Allele origin: germline.
Comment: This sequence change replaces lysine, which is basic and polar, with arginine, which is basic and polar, at codon 102 of the BRCA2 protein (p.Lys102Arg). This variant is not present in population databases (gnomAD no frequency). This variant has not been reported in the literature in individuals affected with BRCA2-related conditions. ClinVar contains an entry for this variant (Variation ID: 51390). Invitae Evidence Modeling of protein sequence and biophysical properties (such as structural, functional, and spatial information, amino acid conservation, physicochemical variation, residue mobility, and thermodynamic stability) indicates that this missense variant is not expected to disrupt BRCA2 protein function with a negative predictive value of 95%. In summary, the available evidence is currently insufficient to determine the role of this variant in disease. Therefore, it has been classified as a Variant of Uncertain Significance.

CeGaT Center for Human Genetics Tuebingen
Classification: Uncertain significance. Last evaluated: 2024-10-01. Review status: criteria provided, single submitter. Criteria: CeGaT Center For Human Genetics Tuebingen Variant Classification Criteria Version 2. Collection method: clinical testing. Allele origin: germline. Affected: yes. Observed: 1 variant allele.
Comment: BRCA2: PM2, BP4

MGZ Medical Genetics Center
Classification: Likely benign for Familial cancer of breast. Last evaluated: 2024-02-09. Review status: criteria provided, single submitter. Criteria: CSpec BRCA1/2ACMG Rules Specifications V1.1.0. Collection method: clinical testing. Allele origin: germline. Affected: yes.
Comment: ACMG codes applied following ENIGMA VCEP rules: BP1_STR, PM2_SUP

Ambry Genetics
Classification: Likely benign for Hereditary cancer-predisposing syndrome. Last evaluated: 2020-03-03. Review status: criteria provided, single submitter. Criteria: Ambry Variant Classification Scheme 2023. Collection method: clinical testing. Allele origin: germline.

Color Diagnostics, LLC DBA Color Health
Classification: Uncertain significance for Hereditary cancer-predisposing syndrome. Last evaluated: 2019-04-03. Review status: criteria provided, single submitter. Criteria: ACMG Guidelines, 2015. Collection method: clinical testing. Allele origin: germline.

Counsyl
Classification: Uncertain significance for Breast-ovarian cancer, familial, susceptibility to, 2. Last evaluated: 2017-03-03. Review status: no assertion criteria provided. Collection method: clinical testing. Allele origin: unknown. Not counted in ClinVar's aggregate classification.

Breast Cancer Information Core (BIC) (BRCA2)
Classification: Uncertain significance for Breast-ovarian cancer, familial 2. Last evaluated: 2002-05-29. Review status: no assertion criteria provided. Collection method: clinical testing. Allele origin: germline. Affected: yes. Observed: 1 variant allele. Not counted in ClinVar's aggregate classification.